The following is an entry in ClinVar:

ClinVar aggregate classification (germline): Uncertain significance (1 of 4 stars; one submission).

Conditions:
Glycogen storage disease, type VII (GSD7). Also called: MUSCLE PHOSPHOFRUCTOKINASE DEFICIENCY; PFKM DEFICIENCY; TARUI DISEASE; GSD VII. Identifiers: Orphanet 371, MedGen C0017926, MONDO:0009295, OMIM 232800.

Allele frequency attached by ClinVar (database versions not stated): gnomAD exomes below 0.00001 and 0.00001; TOPMed below 0.00001; gnomAD 0.00001.
gnomAD v4.1: 3 of 1,614,032 alleles (0.00019%); highest among the groups gnomAD compares: Admixed American, 0.005%; no homozygotes.

Submission:

Labcorp Genetics (formerly Invitae), Labcorp
Classification: Uncertain significance for Glycogen storage disease, type VII. Last evaluated: 2022-03-10. Review status: criteria provided, single submitter. Criteria: Invitae Variant Classification Sherloc (09022015). Collection method: clinical testing. Allele origin: germline.
Comment: This sequence change replaces glutamine, which is neutral and polar, with lysine, which is basic and polar, at codon 514 of the PFKM protein (p.Gln514Lys). This variant is present in population databases (no rsID available, gnomAD 0.009%). This variant has not been reported in the literature in individuals affected with PFKM-related conditions. Algorithms developed to predict the effect of missense changes on protein structure and function output the following: SIFT: "Tolerated"; PolyPhen-2: "Benign"; Align-GVGD: "Class C0". The lysine amino acid residue is found in multiple mammalian species, which suggests that this missense change does not adversely affect protein function. In summary, the available evidence is currently insufficient to determine the role of this variant in disease. Therefore, it has been classified as a Variant of Uncertain Significance.

NM_000289.6(PFKM):c.1540C>A (p.Gln514Lys)

Gene: PFKM (phosphofructokinase, muscle; plus strand). Cytogenetic location: 12q13.11.
Variant type: single nucleotide variant.
Coding change: c.1540C>A on transcript NM_000289.6 (MANE Select); coding-DNA position 1540, C replaced by A.
Protein change: p.Gln514Lys; replaces glutamine 514 with lysine.
Molecular consequence: missense variant. On other transcripts: non-coding transcript variant (6).
Genome position (GRCh38, 1-based): chr12:48,141,953, C>A. VCF-style: chr12-48141953-C-A. GRCh37 (hg19) VCF-style: chr12-48535736-C-A.
Other names: c.1753C>A, p.Gln585Lys (NM_001166686.2, NM_001354737.1, NM_001354738.1 and 1 more transcripts); c.1540C>A, p.Gln514Lys (NM_001166687.2, NM_001166688.2, NM_001354742.2 and 2 more transcripts); c.1849C>A, p.Gln617Lys (NM_001354735.1, NM_001354736.1); c.1684C>A, p.Gln562Lys (NM_001354740.1); c.1564C>A, p.Gln522Lys (NM_001354741.2); c.1453C>A, p.Gln485Lys (NM_001354745.2); c.1414C>A, p.Gln472Lys (NM_001354746.2); c.1390C>A, p.Gln464Lys (NM_001354747.2, NM_001354748.2); and 1 more; short protein forms Q562K, Q585K, Q485K, Q514K, Q617K, Q464K, Q483K, Q522K.
Identifiers: ClinVar variation 1409450 (VCV001409450.5), dbSNP rs1487607332, ClinGen allele CA384552569.